The following is an entry in ClinVar:

NM_003906.5(MCM3AP):c.3047_3051del (p.Glu1016fs)

Gene: MCM3AP (minichromosome maintenance complex component 3 associated protein; minus strand). Cytogenetic location: 21q22.3.
Variant type: Microsatellite.
Coding change: c.3047_3051del on transcript NM_003906.5 (MANE Select); coding-DNA positions 3047 to 3051, 5 bases deleted (AGGAG; older notation c.3047_3051delAGGAG).
Protein change: p.Glu1016fs; shifts the reading frame from glutamic acid 1016.
Molecular consequence: frameshift variant.
Genome position (GRCh38, 1-based): chr21:46,265,504-46,265,508, CTCCT deleted on the plus strand (AGGAG on the coding strand, the reverse complement: MCM3AP is on the minus strand); deleting any 5 consecutive bases within chr21:46,265,504-46,265,517 gives the same sequence; the c. name uses the placement nearest the transcript's 3' end. VCF-style (leftmost placement, unchanged base first): chr21-46265503-ACTCCT-A. GRCh37 (hg19) VCF-style: chr21-47685417-ACTCCT-A.
Other names: short protein forms E1016fs.
Identifiers: ClinVar variation 4991644 (VCV004991644.1).

ClinVar aggregate classification (germline): Likely pathogenic (1 of 4 stars; one submission).

Conditions:
MCM3AP-related disorder. Also called: MCM3AP-related condition.

Submission:

PreventionGenetics, part of Exact Sciences
Classification: Likely pathogenic for MCM3AP-related condition. Last evaluated: 2025-11-10. Review status: criteria provided, single submitter. Criteria: ACMG Guidelines, 2015. Collection method: clinical testing. Allele origin: germline.
Comment: The MCM3AP c.3047_3051del5 variant is predicted to result in a frameshift and premature protein termination (p.Glu1016Valfs*48). To our knowledge, this variant has not been reported in the literature or in a large population database (gnomAD), indicating this variant is rare. Frameshift variants in MCM3AP are expected to be pathogenic. This variant is interpreted as likely pathogenic.